The following is an entry in ClinVar:

NC_000023.11:g.18650452C>T

Genes: CDKL5 (cyclin dependent kinase like 5; plus strand), RS1 (retinoschisin 1; minus strand). Cytogenetic location: Xp22.13.
Variant type: single nucleotide variant.
Molecular consequence: intron variant (on NM_000330.4). On other transcripts: missense variant (2).
Genome position: GRCh38 VCF-style: chrX-18650452-C-T. GRCh37 (hg19) VCF-style: chrX-18668572-C-T.
Other names: c.2840C>T, p.Pro947Leu (NM_003159.3, NM_001037343.2); c.185-3120G>A (NM_000330.4); short protein forms P947L.
Identifiers: ClinVar variation 2937852 (VCV002937852.3), dbSNP rs1479054834, ClinGen allele CA412373255.

ClinVar aggregate classification (germline): Uncertain significance (1 of 4 stars; one submission).

Conditions:
Developmental and epileptic encephalopathy, 2 (DEE2). Also called: INFANTILE SPASM SYNDROME, X-LINKED 2; CDKL5 deficiency disorder. Identifiers: Orphanet 1934, Orphanet 3451, Orphanet 505652, MedGen C4750718, MONDO:0010396, OMIM 300672.
Angelman syndrome-like. Identifiers: MedGen CN128785.

Allele frequency attached by ClinVar (database versions not stated): gnomAD exomes below 0.00001.
gnomAD v4.1: 2 of 1,211,907 alleles (0.00017%); highest among the groups gnomAD compares: Admixed American, 0.0022%; no homozygotes.

Submission:

Labcorp Genetics (formerly Invitae), Labcorp
Classification: Uncertain significance for Developmental and epileptic encephalopathy, 2; Angelman syndrome-like. Last evaluated: 2023-10-22. Review status: criteria provided, single submitter. Criteria: Invitae Variant Classification Sherloc (09022015). Collection method: clinical testing. Allele origin: germline.
Comment: This sequence change replaces proline, which is neutral and non-polar, with leucine, which is neutral and non-polar, at codon 947 of the CDKL5 protein (p.Pro947Leu). This variant is present in population databases (no rsID available, gnomAD 0.004%). This variant has not been reported in the literature in individuals affected with CDKL5-related conditions. Advanced modeling of protein sequence and biophysical properties (such as structural, functional, and spatial information, amino acid conservation, physicochemical variation, residue mobility, and thermodynamic stability) performed at Invitae indicates that this missense variant is not expected to disrupt CDKL5 protein function. In summary, the available evidence is currently insufficient to determine the role of this variant in disease. Therefore, it has been classified as a Variant of Uncertain Significance.